The following is an entry in ClinVar:

NM_000257.4(MYH7):c.958G>A (p.Val320Met)

Gene: MYH7 (myosin heavy chain 7; minus strand). Cytogenetic location: 14q11.2.
Variant type: single nucleotide variant.
Coding change: c.958G>A on transcript NM_000257.4 (MANE Select); coding-DNA position 958, G replaced by A.
Protein change: p.Val320Met; replaces valine 320 with methionine.
Molecular consequence: missense variant.
Genome position (GRCh38, 1-based): chr14:23,430,601, C>T on the plus strand (G>A on the coding strand, the complement: MYH7 is on the minus strand). VCF-style: chr14-23430601-C-T. GRCh37 (hg19) VCF-style: chr14-23899810-C-T.
Other names: p.V320M:GTG>ATG; short protein forms V320M.
Identifiers: ClinVar variation 161328 (VCV000161328.41), dbSNP rs376897125, ClinGen allele CA017003.
Genomic context (GRCh38, chr14:23,430,601, plus strand): 5'-TGGGTCCTCACACACTCACATCAGTGGCCATGAGCTCCTCAGCGTCATCAATGGAGGCCA[C>T]GGTGGTCTCTCCTTGGGAGATGAATGCATAATCGTAGGGGTTGTTGGTGATCAGCAGCAT-3'
Protein context (NP_000248.2, residues 310-330): YAFISQGETT[Val320Met]ASIDDAEELM

ClinVar aggregate classification (germline): Pathogenic/Likely pathogenic. Review status: criteria provided, multiple submitters, no conflicts (2 of 4 stars). 16 submissions from 16 submitters: Pathogenic (2); Likely pathogenic (13). 1 of the submissions does not count toward it. Last evaluated 2026-04-29.

Conditions:
Cardiovascular phenotype. Identifiers: MedGen CN230736.
MYH7-related disorder. Also called: MYH7-related condition; MYH7-related disease; MYH7-related disorders.
MYH7-related skeletal myopathy. Also called: MYOPATHY, DISTAL, EARLY-ONSET, AUTOSOMAL DOMINANT; MYOPATHY, LATE DISTAL HEREDITARY; Laing early-onset distal myopathy; Laing distal myopathy; Myopathy, distal, 1. Identifiers: Orphanet 59135, MedGen C4552004, MONDO:0008050, OMIM 160500.
Hypertrophic cardiomyopathy 1 (CMH1). Also called: Familial hypertrophic cardiomyopathy 1; MYH7-Related Familial Hypertrophic Cardiomyopathy. Identifiers: MedGen C3495498, MONDO:0008647, OMIM 192600.
Myopathy, myosin storage, autosomal recessive (CMYO7B). Also called: CONGENITAL MYOPATHY 7B, MYOSIN STORAGE, AUTOSOMAL RECESSIVE. Identifiers: Orphanet 636970, MedGen C1850709, MONDO:0009708, OMIM 255160.
Dilated cardiomyopathy 1S (CMD1S). Identifiers: Orphanet 154, Orphanet 54260, MedGen C1834481, MONDO:0013262, OMIM 613426.
Myosin storage myopathy (CMYO7A). Also called: MYOPATHY WITH LYSIS OF TYPE I MYOFIBRILS; MYOPATHY, HYALINE BODY, AUTOSOMAL DOMINANT; Scapuloperoneal myopathy, MYH7-related; MYH7-related late-onset scapuloperoneal muscular dystrophy; Congenital myopathy 7A, myosin storage, autosomal dominant; SCAPULOPERONEAL MUSCULAR DYSTROPHY. Identifiers: Orphanet 437572, Orphanet 636965, MedGen C1842160, MONDO:0008409, OMIM 608358.
Cardiomyopathy (CMYO). Also called: Cardiomyopathies. Identifiers: Orphanet 167848, MedGen C0878544, MONDO:0004994, HP:0001638. Inheritance: Various modes of inheritance.
Primary familial hypertrophic cardiomyopathy (HCM). Identifiers: Orphanet 99739, MedGen C0949658, MeSH D024741, MONDO:0024573. Inheritance: Various modes of inheritance.
Hypertrophic cardiomyopathy. Also called: HYPERTROPHIC MYOCARDIOPATHY. Identifiers: Orphanet 217569, MedGen C0007194, MeSH D002312, MONDO:0005045, HP:0001639.

Allele frequency attached by ClinVar (database versions not stated): gnomAD exomes below 0.00001 and 0.00002; ExAC 0.00001; gnomAD 0.00002; TOPMed 0.00005; ESP Exome Variant Server 0.00015.
gnomAD v4.1: 5 of 1,613,992 alleles (0.00031%); highest among the groups gnomAD compares: African/African-American, 0.0013%; no homozygotes.

Submissions 1 to 6 of 16:

PreventionGenetics, part of Exact Sciences
Classification: Pathogenic for MYH7-related condition. Last evaluated: 2026-04-29. Review status: criteria provided, single submitter. Criteria: ACMG Guidelines, 2015. Collection method: clinical testing. Allele origin: germline.
Comment: The MYH7 c.958G>A variant is predicted to result in the amino acid substitution p.Val320Met. This variant has been reported in the heterozygous state in multiple individuals and families with hypertrophic cardiomyopathy (HCM) (Havndrup et al. 2003. PubMed ID: 12566107; Additional file 2, Hathaway et al. 2021. PubMed ID: 33673806; Supplemental Tables, Murphy et al. 2024. PubMed ID: 38489124; Ho et al. 2009. PubMed ID: 20031602; Brito et al. 2012. PubMed ID: 22857948; Vargas-Ursúa et al. 2024. PubMed ID: 38423942). However, this variant is predicted to have a reduced penetrance and later onset because it has been noted in unaffected relatives (mostly younger) and controls (Havndrup et al. 2003. PubMed ID: 12566107; Table S6, Park et al. 2022. PubMed ID: 34542152; Table S8, McGurk et al. 2023. PubMed ID: 37652022). An alternate missense variant at the same amino acid position (p.Val320Glu) has been reported in individuals with HCM (Supplemental Table 1, Robyns et al. 2020. PubMed ID: 31513939; Supplemental Table 2, Tadros et al. 2021. PubMed ID: 33495596). The c.958G>A variant is reported in 0.0062% of alleles in individuals of African descent in gnomAD and is classified as likely pathogenic/pathogenic in ClinVar (Variation ID: 161328). This variant is interpreted as pathogenic.

Dasa
Classification: Likely pathogenic. Last evaluated: 2026-03-17. Review status: criteria provided, single submitter. Criteria: DASA Assertion Criteria. Collection method: clinical testing. Allele origin: germline.
Comment: NM_000257.4(MYH7):c.958G>A (p.Val320Met) is a missense variant that results in the substitution of valine with methionine. The affected residue or protein region has prior evidence supporting clinical relevance. This variant has been reported in individuals with MYH7-related disorders (PMID: 38423942). Segregation data support an association with disease in the reported family/families (PMID: 38423942). Also, this variant is rare in population databases. Computational evidence supports a deleterious effect. Based on the currently available evidence, this variant is classified as likely pathogenic.

Labcorp Genetics (formerly Invitae), Labcorp
Classification: Pathogenic for Hypertrophic cardiomyopathy. Last evaluated: 2025-12-08. Review status: criteria provided, single submitter. Criteria: Invitae Variant Classification Sherloc (09022015). Collection method: clinical testing. Allele origin: germline.
Comment: This sequence change replaces valine, which is neutral and non-polar, with methionine, which is neutral and non-polar, at codon 320 of the MYH7 protein (p.Val320Met). This variant is present in population databases (rs376897125, gnomAD 0.007%). This missense change has been observed in individuals with hypertrophic cardiomyopathy (PMID: 12566107, 20031602, 21239446, 22857948, 24093860, 27247418). ClinVar contains an entry for this variant (Variation ID: 161328). Invitae Evidence Modeling of protein sequence and biophysical properties (such as structural, functional, and spatial information, amino acid conservation, physicochemical variation, residue mobility, and thermodynamic stability) indicates that this missense variant is expected to disrupt MYH7 protein function with a positive predictive value of 95%. This variant is found within a region of MYH7 between codons 181 and 937 that contains the majority of the myosin head domain. Missense variants in this region have been shown to be significantly overrepresented in individuals with hypertrophic cardiomyopathy (PMID: 27532257). For these reasons, this variant has been classified as Pathogenic.

Ambry Genetics
Classification: Likely pathogenic for Cardiovascular phenotype. Last evaluated: 2025-12-04. Review status: criteria provided, single submitter. Criteria: Ambry Variant Classification Scheme 2023. Collection method: clinical testing. Allele origin: germline.
Comment: The p.V320M variant (also known as c.958G>A), located in coding exon 9 of the MYH7 gene, results from a G to A substitution at nucleotide position 958. The valine at codon 320 is replaced by methionine, an amino acid with highly similar properties. This variant has been reported in numerous hypertrophic cardiomyopathy cohorts (Havndrup O et al. Cardiovasc. Res., 2003 Feb;57:347-57; Brito D et al. Rev Port Cardiol, 2012 Sep;31:577-87; Jensen MK et al. Circulation, 2013 Jan;127:48-54; Marsiglia JD et al. Am. Heart J., 2013 Oct;166:775-82). In addition, this alteration is located in the myosin head domain, which contains a statistically significant clustering of pathogenic missense variants (Homburger JR et al. Proc Natl Acad Sci U S A, 2016 06;113:6701-6; Walsh R et al. Genet Med, 2017 02;19:192-203; Ambry internal data). This amino acid position is highly conserved in available vertebrate species. In addition, this alteration is predicted to be deleterious by in silico analysis. Based on the majority of available evidence to date, this variant is likely to be pathogenic.

GeneDx
Classification: Likely pathogenic. Last evaluated: 2025-11-05. Review status: criteria provided, single submitter. Criteria: GeneDx Variant Classification Process June 2021. Collection method: clinical testing. Allele origin: germline. Affected: yes.
Comment: Not observed at significant frequency in large population cohorts (gnomAD); In silico analysis supports that this missense variant has a deleterious effect on protein structure/function; This variant is associated with the following publications: (PMID: 23299917, 24093860, 25637381, 23197161, 22429680, 12566107, 27247418, 27532257, 22857948, 21239446, 33588347, 20031602, 33673806, 34542152, 37652022, 33764162, 28771489, 30775854, 38489124, 25937619, 38423942, 29300372)

Variantyx, Inc.
Classification: Likely pathogenic for Hypertrophic cardiomyopathy 1. Last evaluated: 2025-09-06. Review status: criteria provided, single submitter. Criteria: Variantyx Assertion Criteria 2022. Collection method: clinical testing. Allele origin: germline. Inheritance: Autosomal dominant inheritance. Affected: yes.
Comment: This is a nonsynonymous variant in the MYH7 gene (OMIM: 160760). Pathogenic variants in this gene have been associated with autosomal dominant Hypertrophic Cardiomyopathy 1. The frequency of this variant in affected individuals is significantly increased compared to controls (PMID: 27532257) (PS4), and the alteration lies within a known hotspot for pathogenic variants in the MYH7 protein (PMID: 27532257) (PM1). Multiple computational algorithms predict a deleterious effect for this variant (REVEL score: 0.9) (PP3). This variant has a 0.0013% maximum allele frequency in non-founder control populations (PM2). Based on the current evidence, this variant is classified as likely pathogenic for autosomal dominant Hypertrophic Cardiomyopathy 1.